The following is an entry in ClinVar:

ClinVar aggregate classification (germline): Uncertain significance (1 of 4 stars; one submission).

gnomAD v4.1: 1 of 1,606,744 alleles (0.000062%); highest among the groups gnomAD compares: Non-Finnish European, 0.000085%; no homozygotes.

Submission:

Labcorp Genetics (formerly Invitae), Labcorp
Classification: Uncertain significance. Last evaluated: 2024-07-15. Review status: criteria provided, single submitter. Criteria: Invitae Variant Classification Sherloc (09022015). Collection method: clinical testing. Allele origin: germline.
Comment: This sequence change replaces cysteine, which is neutral and slightly polar, with tyrosine, which is neutral and polar, at codon 247 of the CFI protein (p.Cys247Tyr). This variant is not present in population databases (gnomAD no frequency). This variant has not been reported in the literature in individuals affected with CFI-related conditions. Advanced modeling of protein sequence and biophysical properties (such as structural, functional, and spatial information, amino acid conservation, physicochemical variation, residue mobility, and thermodynamic stability) performed at Invitae indicates that this missense variant is expected to disrupt CFI protein function with a positive predictive value of 80%. In summary, the available evidence is currently insufficient to determine the role of this variant in disease. Therefore, it has been classified as a Variant of Uncertain Significance.

NM_000204.5(CFI):c.740G>A (p.Cys247Tyr)

Gene: CFI (complement factor I; minus strand). Cytogenetic location: 4q25.
Variant type: single nucleotide variant.
Coding change: c.740G>A on transcript NM_000204.5 (MANE Select); coding-DNA position 740, G replaced by A.
Protein change: p.Cys247Tyr; replaces cysteine 247 with tyrosine.
Molecular consequence: missense variant. On other transcripts: non-coding transcript variant (3).
Genome position (GRCh38, 1-based): chr4:109,760,555, C>T on the plus strand (G>A on the coding strand, the complement: CFI is on the minus strand). VCF-style: chr4-109760555-C-T. GRCh37 (hg19) VCF-style: chr4-110681711-C-T.
Other names: c.740G>A, p.Cys247Tyr (NM_001318057.2, NM_001331035.2, NM_001375278.1 and 5 more transcripts); c.131G>A, p.Cys44Tyr (NM_001375284.1); short protein forms C247Y, C44Y.
Identifiers: ClinVar variation 3659028 (VCV003659028.2).